The following is an entry in ClinVar:

NM_001042492.3(NF1):c.1793A>G (p.Lys598Arg)

Gene: NF1 (neurofibromin 1; plus strand). Cytogenetic location: 17q11.2.
Variant type: single nucleotide variant.
Coding change: c.1793A>G on transcript NM_001042492.3 (MANE Select); coding-DNA position 1793, A replaced by G.
Protein change: p.Lys598Arg; replaces lysine 598 with arginine.
Molecular consequence: missense variant.
Genome position (GRCh38, 1-based): chr17:31,223,515, A>G. VCF-style: chr17-31223515-A-G. GRCh37 (hg19) VCF-style: chr17-29550533-A-G.
Other names: c.1793A>G, p.Lys598Arg (NM_000267.4); short protein forms K598R.
Identifiers: ClinVar variation 851833 (VCV000851833.6), dbSNP rs2066963397, ClinGen allele CA399004374.

ClinVar aggregate classification (germline): Uncertain significance (1 of 4 stars; one submission).

Conditions:
Neurofibromatosis, type 1 (NF1). Also called: Neurofibromatosis, type I; VON RECKLINGHAUSEN DISEASE; Peripheral type neurofibromatosis; NEUROFIBROMATOSIS, TYPE I, SOMATIC. Identifiers: Orphanet 636, MedGen C0027831, MONDO:0018975, OMIM 162200. Disease mechanism: loss of function.

Submission:

Labcorp Genetics (formerly Invitae), Labcorp
Classification: Uncertain significance for Neurofibromatosis, type 1. Last evaluated: 2025-03-12. Review status: criteria provided, single submitter. Criteria: Invitae Variant Classification Sherloc (09022015). Collection method: clinical testing. Allele origin: germline.
Comment: This sequence change replaces lysine, which is basic and polar, with arginine, which is basic and polar, at codon 598 of the NF1 protein (p.Lys598Arg). This variant is not present in population databases (gnomAD no frequency). This variant has not been reported in the literature in individuals affected with NF1-related conditions. ClinVar contains an entry for this variant (Variation ID: 851833). Invitae Evidence Modeling of protein sequence and biophysical properties (such as structural, functional, and spatial information, amino acid conservation, physicochemical variation, residue mobility, and thermodynamic stability) has been performed for this missense variant. However, the output from this modeling did not meet the statistical confidence thresholds required to predict the impact of this variant on NF1 protein function. Algorithms developed to predict the effect of sequence changes on RNA splicing suggest that this variant may disrupt the consensus splice site. In summary, the available evidence is currently insufficient to determine the role of this variant in disease. Therefore, it has been classified as a Variant of Uncertain Significance.